The following is an entry in ClinVar:

ClinVar aggregate classification (germline): Uncertain significance (1 of 4 stars; one submission).

Submission:

GeneDx
Classification: Uncertain significance. Last evaluated: 2025-04-15. Review status: criteria provided, single submitter. Criteria: GeneDx Variant Classification Process June 2021. Collection method: clinical testing. Allele origin: germline. Affected: yes.
Comment: Not observed at significant frequency in large population cohorts (gnomAD); In silico analysis supports that this missense variant has a deleterious effect on protein structure/function; Has not been previously published as pathogenic or benign to our knowledge

NM_001080517.3(SETD5):c.2129A>G (p.Asp710Gly)

Gene: SETD5 (SET domain containing 5; plus strand). Cytogenetic location: 3p25.3.
Variant type: single nucleotide variant.
Coding change: c.2129A>G on transcript NM_001080517.3 (MANE Select); coding-DNA position 2129, A replaced by G.
Protein change: p.Asp710Gly; replaces aspartic acid 710 with glycine.
Molecular consequence: missense variant.
Genome position (GRCh38, 1-based): chr3:9,448,413, A>G. VCF-style: chr3-9448413-A-G. GRCh37 (hg19) VCF-style: chr3-9490097-A-G.
Other names: c.1835A>G, p.Asp612Gly (NM_001292043.2, NM_001349451.2); c.2225A>G, p.Asp742Gly (NM_001437633.1); c.2186A>G, p.Asp729Gly (NM_001437635.1); c.2129A>G, p.Asp710Gly (NM_001437643.1); c.2168A>G, p.Asp723Gly (NM_001437701.1); short protein forms D612G, D710G, D723G, D729G, D742G.
Identifiers: ClinVar variation 4282388 (VCV004282388.1).